The following is an entry in ClinVar:

NM_018294.6(CWF19L1):c.1375-2A>G

Gene: CWF19L1 (CWF19 like cell cycle control factor 1; minus strand). Cytogenetic location: 10q24.31.
Variant type: single nucleotide variant.
Coding change: c.1375-2A>G on transcript NM_018294.6 (MANE Select); the canonical splice acceptor site of the intron before coding-DNA position 1375, A replaced by G.
Molecular consequence: splice acceptor variant.
Genome position (GRCh38, 1-based): chr10:100,235,766, T>C on the plus strand (A>G on the coding strand, the complement: CWF19L1 is on the minus strand). VCF-style: chr10-100235766-T-C. GRCh37 (hg19) VCF-style: chr10-101995523-T-C.
Other names: c.964-2A>G (NM_001303406.2, NM_001303405.2); c.640-2A>G (NM_001303407.2); c.1255-2A>G (NM_001303404.2).
Identifiers: ClinVar variation 2497675 (VCV002497675.2), dbSNP rs2493141408, ClinGen allele CA378160166.
Genomic context (GRCh38, chr10:100,235,766, plus strand): 5'-AAAAGCTTTTCTCCTGTGTCAAGTTCAACATAAAAATATGCTGCTCCTGGCTGTGCAATC[T>C]AAAGTAAACAGAGTTGTATGAGGATGTCCAATAATGCTTTAAAAATCTATAATCTGAGTT-3'

ClinVar aggregate classification (germline): Pathogenic (1 of 4 stars; one submission).

Conditions:
Autosomal recessive spinocerebellar ataxia 17. Identifiers: Orphanet 453521, MedGen C4015301, MONDO:0014503, OMIM 616127.

Submission:

Institute of Bioinformatics
Classification: Pathogenic for Autosomal recessive spinocerebellar ataxia 17. Last evaluated: 2023-03-23. Review status: criteria provided, single submitter. Criteria: ACMG Guidelines, 2015. Collection method: research. Allele origin: biparental. Inheritance: Autosomal recessive inheritance. Affected: yes. Observed: 4 variant alleles, 2 heterozygotes, 2 homozygotes. Clinical features observed: Seizure (HP:0001250), Nystagmus, Cerebellar dysarthria, appendicular dysmetria, Tremor, truncal ataxia, gait imbalance.
Comment: one Indian family with autosomal recessive spinocerebellar ataxia identified with a novel splice acceptor site mutation. Transcript analysis confirmed splice defect and use of an alternate cryptic splice acceptor site on exon 13.